The following is an entry in ClinVar:

ClinVar aggregate classification (germline): Uncertain significance (1 of 4 stars; one submission).

Conditions:
Dilated cardiomyopathy 1W (CMD1W). Identifiers: Orphanet 154, MedGen C1969639, MONDO:0012667, OMIM 611407.

Submission:

Labcorp Genetics (formerly Invitae), Labcorp
Classification: Uncertain significance for Dilated cardiomyopathy 1W. Last evaluated: 2022-11-20. Review status: criteria provided, single submitter. Criteria: Invitae Variant Classification Sherloc (09022015). Collection method: clinical testing. Allele origin: germline.
Comment: In summary, the available evidence is currently insufficient to determine the role of this variant in disease. Therefore, it has been classified as a Variant of Uncertain Significance. Algorithms developed to predict the effect of missense changes on protein structure and function are either unavailable or do not agree on the potential impact of this missense change (SIFT: "Not Available"; PolyPhen-2: "Benign"; Align-GVGD: "Not Available"). This variant has not been reported in the literature in individuals affected with VCL-related conditions. This variant is not present in population databases (gnomAD no frequency). This sequence change replaces alanine, which is neutral and non-polar, with aspartic acid, which is acidic and polar, at codon 742 of the VCL protein (p.Ala742Asp).

NM_014000.3(VCL):c.2225C>A (p.Ala742Asp)

Gene: VCL (vinculin; plus strand). Cytogenetic location: 10q22.2.
Variant type: single nucleotide variant.
Coding change: c.2225C>A on transcript NM_014000.3 (MANE Select); coding-DNA position 2225, C replaced by A.
Protein change: p.Ala742Asp; replaces alanine 742 with aspartic acid.
Molecular consequence: missense variant.
Genome position (GRCh38, 1-based): chr10:74,105,144, C>A. VCF-style: chr10-74105144-C-A. GRCh37 (hg19) VCF-style: chr10-75864902-C-A.
Other names: c.2225C>A, p.Ala742Asp (NM_003373.4); short protein forms A742D.
Identifiers: ClinVar variation 2903448 (VCV002903448.3), dbSNP rs2549232149, ClinGen allele CA377262153.